The following is an entry in ClinVar:

NM_000216.4(ANOS1):c.207G>C (p.Gln69His)

Gene: ANOS1 (anosmin 1; minus strand). Cytogenetic location: Xp22.31.
Variant type: single nucleotide variant.
Coding change: c.207G>C on transcript NM_000216.4 (MANE Select); coding-DNA position 207, G replaced by C.
Protein change: p.Gln69His; replaces glutamine 69 with histidine.
Molecular consequence: missense variant.
Genome position (GRCh38, 1-based): chrX:8,731,830, C>G on the plus strand (G>C on the coding strand, the complement: ANOS1 is on the minus strand). VCF-style: chrX-8731830-C-G. GRCh37 (hg19) VCF-style: chrX-8699871-C-G.
Other names: short protein forms Q69H.
Identifiers: ClinVar variation 2025220 (VCV002025220.4), dbSNP rs2518440937, ClinGen allele CA412024243.

ClinVar aggregate classification (germline): Uncertain significance (1 of 4 stars; one submission).

Conditions:
Hypogonadotropic hypogonadism 1 with or without anosmia (HH1). Also called: Kallmann syndrome, type 1, X-linked; DYSPLASIA OLFACTOGENITALIS OF DE MORSIER; HYPOGONADOTROPIC HYPOGONADISM 1 WITH ANOSMIA; HYPOGONADOTROPIC HYPOGONADISM AND ANOSMIA; KAL1-Related GnRH Deficiency (Kallmann Syndrome 1; Kallmann Syndrome, X-Linked); Hypogonadotropic hypogonadism 1 with or without anosmia (Kallmann syndrome 1). Identifiers: Orphanet 478, MedGen C1563719, MONDO:0010635, OMIM 308700. Disease mechanism: loss of function.

Submission:

Labcorp Genetics (formerly Invitae), Labcorp
Classification: Uncertain significance for Hypogonadotropic hypogonadism 1 with or without anosmia. Last evaluated: 2022-08-20. Review status: criteria provided, single submitter. Criteria: Invitae Variant Classification Sherloc (09022015). Collection method: clinical testing. Allele origin: germline.
Comment: In summary, the available evidence is currently insufficient to determine the role of this variant in disease. Therefore, it has been classified as a Variant of Uncertain Significance. Variants that disrupt the consensus splice site are a relatively common cause of aberrant splicing (PMID: 17576681, 9536098). Algorithms developed to predict the effect of sequence changes on RNA splicing suggest that this variant may disrupt the consensus splice site. Algorithms developed to predict the effect of missense changes on protein structure and function (SIFT, PolyPhen-2, Align-GVGD) all suggest that this variant is likely to be tolerated. This variant has not been reported in the literature in individuals affected with ANOS1-related conditions. This variant is not present in population databases (gnomAD no frequency). This sequence change replaces glutamine, which is neutral and polar, with histidine, which is basic and polar, at codon 69 of the ANOS1 protein (p.Gln69His). This variant also falls at the last nucleotide of exon 1, which is part of the consensus splice site for this exon.

Literature cited by the submitters: PubMed 17576681; PubMed 9536098.